The following is an entry in ClinVar:

NM_000815.5(GABRD):c.137G>A (p.Gly46Glu)

Gene: GABRD (gamma-aminobutyric acid type A receptor subunit delta; plus strand). Cytogenetic location: 1p36.33.
Variant type: single nucleotide variant.
Coding change: c.137G>A on transcript NM_000815.5 (MANE Select); coding-DNA position 137, G replaced by A.
Protein change: p.Gly46Glu; replaces glycine 46 with glutamic acid.
Molecular consequence: missense variant.
Genome position (GRCh38, 1-based): chr1:2,025,010, G>A. VCF-style: chr1-2025010-G-A. GRCh37 (hg19) VCF-style: chr1-1956449-G-A.
Other names: short protein forms G46E.
Identifiers: ClinVar variation 852281 (VCV000852281.9), dbSNP rs1441811312, ClinGen allele CA337955603.
Genomic context (GRCh38, chr1:2,025,010, plus strand): 5'-ATGACATCGGCGACTACGTGGGCTCCAACCTGGAGATCTCCTGGCTCCCCAACCTGGACG[G>A]GCTGATAGCCGGCTACGCCCGCAACTTCCGGCCTGGCATCGGAGGTGAGGGGCGGTCCAG-3'
Protein context (NP_000806.2, residues 36-56): LEISWLPNLD[Gly46Glu]LIAGYARNFR

ClinVar aggregate classification (germline): Uncertain significance (1 of 4 stars; one submission).

Conditions:
Idiopathic generalized epilepsy. Also called: Generalised epilepsy; EIG. Identifiers: MedGen C0270850, MONDO:0005579, OMIM 600669.

gnomAD v4.1: 1 of 1,612,862 alleles (0.000062%); highest among the groups gnomAD compares: Non-Finnish European, 0.000085%; no homozygotes.

Submission:

Labcorp Genetics (formerly Invitae), Labcorp
Classification: Uncertain significance for Idiopathic generalized epilepsy. Last evaluated: 2019-09-18. Review status: criteria provided, single submitter. Criteria: Invitae Variant Classification Sherloc (09022015). Collection method: clinical testing. Allele origin: germline.
Comment: This sequence change replaces glycine with glutamic acid at codon 46 of the GABRD protein (p.Gly46Glu). The glycine residue is moderately conserved and there is a moderate physicochemical difference between glycine and glutamic acid. This variant is not present in population databases (ExAC no frequency). This variant has not been reported in the literature in individuals with GABRD-related conditions. Algorithms developed to predict the effect of missense changes on protein structure and function (SIFT, PolyPhen-2, Align-GVGD) all suggest that this variant is likely to be tolerated, but these predictions have not been confirmed by published functional studies and their clinical significance is uncertain. In summary, the available evidence is currently insufficient to determine the role of this variant in disease. Therefore, it has been classified as a Variant of Uncertain Significance.